The following is an entry in ClinVar:

ClinVar aggregate classification (germline): Uncertain significance (1 of 4 stars; one submission).

Conditions:
Malignant hyperthermia, susceptibility to, 1 (MHS1). Also called: Anesthesia related hyperthermia; Malignant hyperpyrexia; Fulminating hyperpyrexia; Pharmacogenic myopathy; Malignant hyperthermia suceptibility 1; RYR1-Related Malignant Hyperthermia Susceptibility. Identifiers: Orphanet 423, MedGen C2930980, MONDO:0007783, OMIM 145600.

Submission:

All of Us Research Program, National Institutes of Health
Classification: Uncertain significance for Malignant hyperthermia, susceptibility to, 1. Last evaluated: 2024-05-09. Review status: criteria provided, single submitter. Criteria: ACMG Guidelines, 2015. Collection method: clinical testing. Allele origin: germline. Inheritance: Autosomal dominant inheritance. Observed: 1 variant allele, 1 heterozygote.
Comment: This study involves interpretation of variants in research participants for the purpose of population health screening. Participant phenotype was not available at the time of variant classification. Additional details can be found in publication PMID: 35346344, PMCID: PMC8962531

NM_000540.3(RYR1):c.8521_8526del (p.Lys2841_Ile2842del)

Genes: RYR1 (ryanodine receptor 1; plus strand), LOC126862902 (BRD4-independent group 4 enhancer GRCh37_chr19:38995830-38997029; plus strand). Cytogenetic location: 19q13.2.
Variant type: Deletion.
Coding change: c.8521_8526del on transcript NM_000540.3 (MANE Select); coding-DNA positions 8521 to 8526, 6 bases deleted (AAGATA; older notation c.8521_8526delAAGATA).
Protein change: p.Lys2841_Ile2842del.
Genome position (GRCh38, 1-based): chr19:38,505,926-38,505,931, AAGATA deleted. VCF-style (leftmost placement, unchanged base first): chr19-38505925-GAAGATA-G. GRCh37 (hg19) VCF-style: chr19-38996565-GAAGATA-G.
Other names: c.8521_8526del, p.Lys2841_Ile2842del (NM_001042723.2).
Identifiers: ClinVar variation 3385476 (VCV003385476.1).